The following is an entry in ClinVar:

ClinVar aggregate classification (germline): Uncertain significance (1 of 4 stars; one submission).

Submission:

GeneDx
Classification: Uncertain significance. Last evaluated: 2022-11-08. Review status: criteria provided, single submitter. Criteria: GeneDx Variant Classification Process June 2021. Collection method: clinical testing. Allele origin: germline. Affected: yes.
Comment: Not observed at significant frequency in large population cohorts (gnomAD); In silico analysis supports that this missense variant does not alter protein structure/function; Has not been previously published as pathogenic or benign to our knowledge

NM_173689.7(CRB2):c.3454G>A (p.Gly1152Ser)

Gene: CRB2 (crumbs cell polarity complex component 2; plus strand). Cytogenetic location: 9q33.3.
Variant type: single nucleotide variant.
Coding change: c.3454G>A on transcript NM_173689.7 (MANE Select); coding-DNA position 3454, G replaced by A.
Protein change: p.Gly1152Ser; replaces glycine 1152 with serine.
Molecular consequence: missense variant. On other transcripts: non-coding transcript variant (1).
Genome position (GRCh38, 1-based): chr9:123,374,643, G>A. VCF-style: chr9-123374643-G-A. GRCh37 (hg19) VCF-style: chr9-126136922-G-A.
Other names: short protein forms G1152S.
Identifiers: ClinVar variation 2501560 (VCV002501560.1), dbSNP rs2550690192, ClinGen allele CA374869076.
Genomic context (GRCh38, chr9:123,374,643, plus strand): 5'-CCTGTCCCATCCAAGGAGTGCAGCCTGAATGTCACCTGCCTCGATGGCAGCCCATGTGAG[G>A]GTGGCTCTCCCGCTGCCAACTGCAGCTGCCTGGAGGGTCTTGCTGGCCAGAGGTGGGTCT-3'
Protein context (NP_775960.4, residues 1142-1162): VTCLDGSPCE[Gly1152Ser]GSPAANCSCL